The following is an entry in ClinVar:

ClinVar aggregate classification (germline): Uncertain significance. Review status: criteria provided, multiple submitters, no conflicts (2 of 4 stars). 2 submissions from 2 submitters: Uncertain significance (2). Last evaluated 2025-05-16.

Conditions:
Hereditary cancer-predisposing syndrome. Also called: Neoplastic Syndromes, Hereditary; Hereditary Cancer Syndrome; Tumor predisposition; Hereditary neoplastic syndrome. Identifiers: Orphanet 140162, MedGen C0027672, MeSH D009386, MONDO:0015356.
Ataxia-telangiectasia syndrome (AT). Also called: Ataxia-telangiectasia, complementation group D; AT, COMPLEMENTATION GROUP C; Cerebello-oculocutaneous telangiectasia; Immunodeficiency with ataxia telangiectasia; Ataxia-telangiectasia, complementation group E; LOUIS-BAR SYNDROME. Identifiers: Orphanet 100, MedGen C0004135, MONDO:0008840, OMIM 208900.

Submissions (2):

Ambry Genetics
Classification: Uncertain significance for Hereditary cancer-predisposing syndrome. Last evaluated: 2025-05-16. Review status: criteria provided, single submitter. Criteria: Ambry Variant Classification Scheme 2023. Collection method: clinical testing. Allele origin: germline.
Comment: The p.D1208G variant (also known as c.3623A>G), located in coding exon 24 of the ATM gene, results from an A to G substitution at nucleotide position 3623. The aspartic acid at codon 1208 is replaced by glycine, an amino acid with similar properties. This amino acid position is conserved. In addition, the in silico prediction for this alteration is inconclusive. Based on the available evidence, the clinical significance of this variant remains unclear.

Labcorp Genetics (formerly Invitae), Labcorp
Classification: Uncertain significance for Ataxia-telangiectasia syndrome. Last evaluated: 2020-11-16. Review status: criteria provided, single submitter. Criteria: Invitae Variant Classification Sherloc (09022015). Collection method: clinical testing. Allele origin: germline.
Comment: This variant has not been reported in the literature in individuals with ATM-related conditions. This variant is not present in population databases (ExAC no frequency). This sequence change replaces aspartic acid with glycine at codon 1208 of the ATM protein (p.Asp1208Gly). The aspartic acid residue is moderately conserved and there is a moderate physicochemical difference between aspartic acid and glycine. In summary, the available evidence is currently insufficient to determine the role of this variant in disease. Therefore, it has been classified as a Variant of Uncertain Significance. Advanced modeling of protein sequence and biophysical properties (such as structural, functional, and spatial information, amino acid conservation, physicochemical variation, residue mobility, and thermodynamic stability) performed at Invitae indicates that this missense variant is not expected to disrupt ATM protein function.

NM_000051.4(ATM):c.3623A>G (p.Asp1208Gly)

Gene: ATM (ATM serine/threonine kinase; plus strand). Cytogenetic location: 11q22.3.
Variant type: single nucleotide variant.
Coding change: c.3623A>G on transcript NM_000051.4 (MANE Select); coding-DNA position 3623, A replaced by G.
Protein change: p.Asp1208Gly; replaces aspartic acid 1208 with glycine.
Molecular consequence: missense variant.
Genome position (GRCh38, 1-based): chr11:108,282,756, A>G. VCF-style: chr11-108282756-A-G. GRCh37 (hg19) VCF-style: chr11-108153483-A-G.
Other names: c.3623A>G (NM_000051.3); c.3623A>G, p.Asp1208Gly (NM_001351834.2); short protein forms D1208G.
Identifiers: ClinVar variation 1469709 (VCV001469709.9), dbSNP rs2135687915, ClinGen allele CA382522826.